The following is an entry in ClinVar:

ClinVar aggregate classification (germline): Likely pathogenic (1 of 4 stars; one submission).

Conditions:
Congenital heart defects and ectodermal dysplasia (CHDED). Identifiers: MedGen C4479250, MONDO:0044303, OMIM 617364.

Submission:

Uttarilli Lab, Institute of Bioinformatics
Classification: Likely pathogenic for Congenital heart defects and ectodermal dysplasia. Last evaluated: 2025-04-21. Review status: criteria provided, single submitter. Criteria: ACMG Guidelines, 2015. Collection method: research. Allele origin: paternal, not applicable. Inheritance: Autosomal dominant inheritance. Affected: yes. Observed: 1 heterozygote. Functional consequence: exon loss.
Comment: We identified a canonical novel splice variant, c.1906-1G>T (NM_002742.3) in the PRKD1 gene in the heterozygous state. In-silico prediction tools (CADD_Phred, SpliceAI, and MutationTaster2) predicted the variant to be damaging to the PRKD1 protein function. Transcript analysis-based functional evidence confirmed exon 14 skipping in both proband and the father. The c.1906-1G>T variant disrupted the acceptor splice site at the start of exon 14, interfering with spliceosome recognition and assembly, leading to exon skipping.

Literature cited by the submitters: DOI 10.1111/joa.14033; PubMed 41136760.

NM_002742.3(PRKD1):c.1906-1G>T

Gene: PRKD1 (protein kinase D1; minus strand). Cytogenetic location: 14q12.
Variant type: single nucleotide variant.
Coding change: c.1906-1G>T on transcript NM_002742.3 (MANE Select); the canonical splice acceptor site of the intron before coding-DNA position 1906, G replaced by T.
Molecular consequence: splice acceptor variant.
Genome position (GRCh38, 1-based): chr14:29,599,818, C>A on the plus strand (G>T on the coding strand, the complement: PRKD1 is on the minus strand). VCF-style: chr14-29599818-C-A. GRCh37 (hg19) VCF-style: chr14-30069024-C-A.
Other names: c.1930-1G>T (NM_001330069.2); c.1642-1G>T (NM_001348390.1).
Identifiers: ClinVar variation 3893293 (VCV003893293.1).